The following is an entry in ClinVar:

ClinVar aggregate classification (germline): Benign. Review status: criteria provided, multiple submitters, no conflicts (2 of 4 stars). 2 submissions from 2 submitters: Benign (2). Last evaluated 2018-06-19.

Allele frequency attached by ClinVar (database versions not stated): 1000 Genomes Project 30x 0.02295; 1000 Genomes Project 0.02336; TOPMed 0.03328; gnomAD 0.03653 and 0.03668; gnomAD exomes 0.04513.
gnomAD v4.1: 46,156 of 1,052,070 alleles (4.4%); highest among the groups gnomAD compares: Middle Eastern, 7.3%; 1,153 homozygotes.

Submissions (2):

GeneDx
Classification: Benign. Last evaluated: 2018-06-19. Review status: criteria provided, single submitter. Criteria: GeneDx Variant Classification (06012015). Collection method: clinical testing. Allele origin: germline. Affected: yes.
Comment: This variant is considered likely benign or benign based on one or more of the following criteria: it is a conservative change, it occurs at a poorly conserved position in the protein, it is predicted to be benign by multiple in silico algorithms, and/or has population frequency not consistent with disease.

Breakthrough Genomics
Classification: Benign. Review status: criteria provided, single submitter. Criteria: ACMG Guidelines, 2015. Collection method: not provided. Allele origin: germline. Inheritance: Autosomal recessive inheritance. Affected: yes.

NM_000183.3(HADHB):c.443-93C>T

Gene: HADHB (hydroxyacyl-CoA dehydrogenase trifunctional multienzyme complex subunit beta; plus strand). Cytogenetic location: 2p23.3.
Variant type: single nucleotide variant.
Coding change: c.443-93C>T on transcript NM_000183.3 (MANE Select); 93 bases into the intron before coding-DNA position 443, C replaced by T.
Molecular consequence: intron variant.
Genome position (GRCh38, 1-based): chr2:26,278,521, C>T. VCF-style: chr2-26278521-C-T. GRCh37 (hg19) VCF-style: chr2-26501389-C-T.
Other names: c.377-93C>T (NM_001281513.2); c.398-93C>T (NM_001281512.2).
Identifiers: ClinVar variation 676216 (VCV000676216.2), dbSNP rs17600515, ClinGen allele CA44335391.